The following is an entry in ClinVar:

ClinVar aggregate classification (germline): Uncertain significance (1 of 4 stars; one submission).

Conditions:
Cardiovascular phenotype. Identifiers: MedGen CN230736.

Submission:

Ambry Genetics
Classification: Uncertain significance for Cardiovascular phenotype. Last evaluated: 2025-02-03. Review status: criteria provided, single submitter. Criteria: Ambry Variant Classification Scheme 2023. Collection method: clinical testing. Allele origin: germline.
Comment: The p.R550L variant (also known as c.1649G>T), located in coding exon 11 of the CBL gene, results from a G to T substitution at nucleotide position 1649. The arginine at codon 550 is replaced by leucine, an amino acid with dissimilar properties. This amino acid position is conserved. In addition, this alteration is predicted to be deleterious by in silico analysis. Based on the available evidence, the clinical significance of this variant remains unclear.

NM_005188.4(CBL):c.1649G>T (p.Arg550Leu)

Gene: CBL (Cbl proto-oncogene; plus strand). Cytogenetic location: 11q23.3.
Variant type: single nucleotide variant.
Coding change: c.1649G>T on transcript NM_005188.4 (MANE Select); coding-DNA position 1649, G replaced by T.
Protein change: p.Arg550Leu; replaces arginine 550 with leucine.
Molecular consequence: missense variant.
Genome position (GRCh38, 1-based): chr11:119,285,274, G>T. VCF-style: chr11-119285274-G-T. GRCh37 (hg19) VCF-style: chr11-119155984-G-T.
Other names: short protein forms R550L.
Identifiers: ClinVar variation 3827834 (VCV003827834.1).